The following is an entry in ClinVar:

ClinVar aggregate classification (germline): Uncertain significance (1 of 4 stars; one submission).

Conditions:
Primary ciliary dyskinesia. Also called: Ciliary dyskinesia. Identifiers: Orphanet 244, MedGen C0008780, MONDO:0016575, HP:0012265.

Submission:

Labcorp Genetics (formerly Invitae), Labcorp
Classification: Uncertain significance for Primary ciliary dyskinesia. Last evaluated: 2023-07-30. Review status: criteria provided, single submitter. Criteria: Invitae Variant Classification Sherloc (09022015). Collection method: clinical testing. Allele origin: germline.
Comment: In summary, the available evidence is currently insufficient to determine the role of this variant in disease. Therefore, it has been classified as a Variant of Uncertain Significance. Algorithms developed to predict the effect of sequence changes on RNA splicing suggest that this variant may create or strengthen a splice site. Advanced modeling of protein sequence and biophysical properties (such as structural, functional, and spatial information, amino acid conservation, physicochemical variation, residue mobility, and thermodynamic stability) performed at Invitae indicates that this missense variant is not expected to disrupt DNAH11 protein function. This missense change has been observed in individual(s) with primary ciliary dyskinesia (Invitae). This variant is not present in population databases (gnomAD no frequency). This sequence change replaces lysine, which is basic and polar, with arginine, which is basic and polar, at codon 3436 of the DNAH11 protein (p.Lys3436Arg).

NM_001277115.2(DNAH11):c.10307A>G (p.Lys3436Arg)

Gene: DNAH11 (dynein axonemal heavy chain 11; plus strand). Cytogenetic location: 7p15.3.
Variant type: single nucleotide variant.
Coding change: c.10307A>G on transcript NM_001277115.2 (MANE Select); coding-DNA position 10307, A replaced by G.
Protein change: p.Lys3436Arg; replaces lysine 3436 with arginine.
Molecular consequence: missense variant.
Genome position (GRCh38, 1-based): chr7:21,808,024, A>G. VCF-style: chr7-21808024-A-G. GRCh37 (hg19) VCF-style: chr7-21847642-A-G.
Other names: c.10328A>G, p.Lys3443Arg (NM_003777.3); short protein forms K3436R, K3443R.
Identifiers: ClinVar variation 2785656 (VCV002785656.3), dbSNP rs2535331739, ClinGen allele CA366946543.
Genomic context (GRCh38, chr7:21,808,024, plus strand): 5'-CATTTGTGTCTTACGTCGGACCCTTCACAAGGCAGTATCGCCAGGAGCTGGTGCACTGCA[A>G]GTGGGTTCCCTTTCTTCAACAGAAGGTAAGTTCAGTTCCTTACCTTGTCAGCAGGTAGAA-3'
Protein context (NP_001264044.1, residues 3426-3446): RQYRQELVHC[Lys3436Arg]WVPFLQQKVS